The following is an entry in ClinVar:

NM_000038.6(APC):c.6869C>T (p.Ser2290Phe)

Gene: APC (APC regulator of Wnt signaling pathway; plus strand). Cytogenetic location: 5q22.2.
Variant type: single nucleotide variant.
Coding change: c.6869C>T on transcript NM_000038.6 (MANE Select); coding-DNA position 6869, C replaced by T.
Protein change: p.Ser2290Phe; replaces serine 2290 with phenylalanine.
Molecular consequence: missense variant.
Genome position (GRCh38, 1-based): chr5:112,842,463, C>T. VCF-style: chr5-112842463-C-T. GRCh37 (hg19) VCF-style: chr5-112178160-C-T.
Other names: c.6869C>T, p.Ser2290Phe (NM_001127510.3, NM_001354895.2); c.6815C>T, p.Ser2272Phe (NM_001127511.3); c.6923C>T, p.Ser2308Phe (NM_001354896.2); c.6899C>T, p.Ser2300Phe (NM_001354897.2); c.6794C>T, p.Ser2265Phe (NM_001354898.2); c.6785C>T, p.Ser2262Phe (NM_001354899.2); c.6746C>T, p.Ser2249Phe (NM_001354900.2); c.6692C>T, p.Ser2231Phe (NM_001354901.2); and 5 more; short protein forms S2272F, S2290F, S2164F, S2249F, S2308F, S2007F, S2199F, S2300F.
Identifiers: ClinVar variation 486761 (VCV000486761.18), dbSNP rs1554087810, ClinGen allele CA16036325.

ClinVar aggregate classification (germline): Uncertain significance. Review status: criteria provided, multiple submitters, no conflicts (2 of 4 stars). 6 submissions from 6 submitters: Uncertain significance (5). 1 of the submissions does not count toward it. Last evaluated 2024-09-23.

Conditions:
Classic or attenuated familial adenomatous polyposis. Identifiers: MedGen CN372698, MONDO:0021057.
Hereditary cancer-predisposing syndrome. Also called: Tumor predisposition; Hereditary Cancer Syndrome; Hereditary neoplastic syndrome; Neoplastic Syndromes, Hereditary. Identifiers: Orphanet 140162, MedGen C0027672, MeSH D009386, MONDO:0015356.
Familial adenomatous polyposis 1 (FAP1). Also called: FAMILIAL ADENOMATOUS POLYPOSIS 1, ATTENUATED; POLYPOSIS, ADENOMATOUS INTESTINAL. Identifiers: MedGen C2713442, MONDO:0021056, OMIM 175100. Disease mechanism: loss of function.
APC-related disorder. Also called: APC-related condition.

Allele frequency attached by ClinVar (database versions not stated): gnomAD exomes 0.00001.
gnomAD v4.1: 9 of 1,613,990 alleles (0.00056%); highest among the groups gnomAD compares: Non-Finnish European, 0.00076%; no homozygotes.

Submissions (6):

All of Us Research Program, National Institutes of Health
Classification: Uncertain significance for Classic or attenuated familial adenomatous polyposis. Last evaluated: 2024-09-23. Review status: criteria provided, single submitter. Criteria: ACMG Guidelines, 2015. Collection method: clinical testing. Allele origin: germline. Inheritance: Autosomal dominant inheritance. Observed: 1 variant allele, 1 heterozygote.
Comment: This study involves interpretation of variants in research participants for the purpose of population health screening. Participant phenotype was not available at the time of variant classification. Additional details can be found in publication PMID: 35346344, PMCID: PMC8962531

Labcorp Genetics (formerly Invitae), Labcorp
Classification: Uncertain significance for Familial adenomatous polyposis 1. Last evaluated: 2024-09-06. Review status: criteria provided, single submitter. Criteria: Invitae Variant Classification Sherloc (09022015). Collection method: clinical testing. Allele origin: germline.
Comment: This sequence change replaces serine, which is neutral and polar, with phenylalanine, which is neutral and non-polar, at codon 2290 of the APC protein (p.Ser2290Phe). This variant is not present in population databases (gnomAD no frequency). This variant has not been reported in the literature in individuals affected with APC-related conditions. ClinVar contains an entry for this variant (Variation ID: 486761). Invitae Evidence Modeling of protein sequence and biophysical properties (such as structural, functional, and spatial information, amino acid conservation, physicochemical variation, residue mobility, and thermodynamic stability) indicates that this missense variant is not expected to disrupt APC protein function with a negative predictive value of 95%. In summary, the available evidence is currently insufficient to determine the role of this variant in disease. Therefore, it has been classified as a Variant of Uncertain Significance.

Ambry Genetics
Classification: Uncertain significance for Hereditary cancer-predisposing syndrome. Last evaluated: 2024-04-01. Review status: criteria provided, single submitter. Criteria: Ambry Variant Classification Scheme 2023. Collection method: clinical testing. Allele origin: germline.
Comment: The p.S2290F variant (also known as c.6869C>T), located in coding exon 15 of the APC gene, results from a C to T substitution at nucleotide position 6869. The serine at codon 2290 is replaced by phenylalanine, an amino acid with highly dissimilar properties. This amino acid position is not well conserved in available vertebrate species. In addition, in silico predictors for this gene do not accurately predict pathogenicity. Since supporting evidence is limited at this time, the clinical significance of this alteration remains unclear.

Quest Diagnostics Nichols Institute San Juan Capistrano
Classification: Uncertain significance. Last evaluated: 2019-04-17. Review status: criteria provided, single submitter. Criteria: Quest Diagnostics criteria. Collection method: clinical testing. Allele origin: germline.

Color Diagnostics, LLC DBA Color Health
Classification: Uncertain significance for Hereditary cancer-predisposing syndrome. Last evaluated: 2019-02-17. Review status: criteria provided, single submitter. Criteria: ACMG Guidelines, 2015. Collection method: clinical testing. Allele origin: germline.

PreventionGenetics, part of Exact Sciences
Classification: Uncertain significance for APC-related condition. Last evaluated: 2024-03-07. Review status: no assertion criteria provided. Collection method: clinical testing. Allele origin: germline. Not counted in ClinVar's aggregate classification.
Comment: The APC c.6869C>T variant is predicted to result in the amino acid substitution p.Ser2290Phe. To our knowledge, this variant has not been reported in the literature or in a large population database, indicating this variant is rare. This variant is reported as a variant of uncertain significance in ClinVar. At this time, the clinical significance of this variant is uncertain due to the absence of conclusive functional and genetic evidence.